The following is an entry in ClinVar:

NM_001372044.2(SHANK3):c.3390G>T (p.Glu1130Asp)

Gene: SHANK3 (SH3 and multiple ankyrin repeat domains 3; plus strand). Cytogenetic location: 22q13.33.
Variant type: single nucleotide variant.
Coding change: c.3390G>T on transcript NM_001372044.2 (MANE Select); coding-DNA position 3390, G replaced by T.
Protein change: p.Glu1130Asp; replaces glutamic acid 1130 with aspartic acid.
Molecular consequence: missense variant.
Genome position (GRCh38, 1-based): chr22:50,720,998, G>T. VCF-style: chr22-50720998-G-T. GRCh37 (hg19) VCF-style: chr22-51159426-G-T.
Other names: c.3165G>T, p.Glu1055Asp (NM_033517.1); short protein forms E1055D, E1130D.
Identifiers: ClinVar variation 2572703 (VCV002572703.1), dbSNP rs1029927535, ClinGen allele CA515260885.
Genomic context (GRCh38, chr22:50,720,998, plus strand): 5'-CGAGGGCAGCGCCCCCGGCGCGGATCTGCCATCCCTACAGCCCTCCCGCTCCATCGACGA[G>T]CGCCTCCTGGGGACCGGCCCCACCGCCGGCCGCGACCTGCTGCTGCCCTCCCCGGTGTCT-3'
Protein context (NP_001358973.1, residues 1120-1140): PSLQPSRSID[Glu1130Asp]RLLGTGPTAG

ClinVar aggregate classification (germline): Uncertain significance (1 of 4 stars; one submission).

Submission:

GeneDx
Classification: Uncertain significance. Last evaluated: 2023-01-11. Review status: criteria provided, single submitter. Criteria: GeneDx Variant Classification Process June 2021. Collection method: clinical testing. Allele origin: germline. Affected: yes.
Comment: Not observed at significant frequency in large population cohorts (gnomAD); In silico analysis supports that this missense variant does not alter protein structure/function; Has not been previously published as pathogenic or benign to our knowledge